The following is an entry in ClinVar:

NM_001267550.2(TTN):c.583+5G>A

Gene: TTN (titin; minus strand). Cytogenetic location: 2q31.2.
Variant type: single nucleotide variant.
Coding change: c.583+5G>A on transcript NM_001267550.2 (MANE Select); 5 bases into the intron after coding-DNA position 583, G replaced by A.
Molecular consequence: intron variant.
Genome position (GRCh38, 1-based): chr2:178,800,390, C>T on the plus strand (G>A on the coding strand, the complement: TTN is on the minus strand). VCF-style: chr2-178800390-C-T. GRCh37 (hg19) VCF-style: chr2-179665117-C-T.
Other names: c.583+5G>A (NM_133378.4, NM_001256850.1, NM_003319.4 and 3 more transcripts).
Identifiers: ClinVar variation 47232 (VCV000047232.26), dbSNP rs397517663, ClinGen allele CA140399.

ClinVar aggregate classification (germline): Conflicting classifications of pathogenicity. Review status: criteria provided, conflicting classifications (1 of 4 stars). 8 submissions from 8 submitters: Uncertain significance (4); Likely benign (2). 2 of the submissions do not count toward it. Last evaluated 2026-07-13.

Conditions:
Cardiovascular phenotype. Identifiers: MedGen CN230736.
TTN-related disorder. Also called: TTN-related disorders; TTN-related condition; TTN-related disease.
Dilated cardiomyopathy 1G (CMD1G). Identifiers: Orphanet 154, MedGen C1858763, MONDO:0011400, OMIM 604145.
Autosomal recessive limb-girdle muscular dystrophy type 2J (LGMDR10). Also called: Limb-girdle muscular dystrophy, type 2J; MUSCULAR DYSTROPHY, LIMB-GIRDLE, AUTOSOMAL RECESSIVE 10. Identifiers: Orphanet 140922, MedGen C1837342, MONDO:0012127, OMIM 608807.

Allele frequency attached by ClinVar (database versions not stated): gnomAD exomes 0.00001; TOPMed 0.00001; gnomAD 0.00001.
gnomAD v4.1: 25 of 1,613,998 alleles (0.0015%); highest among the groups gnomAD compares: African/African-American, 0.0053%; no homozygotes.

Submissions (8):

Ambry Genetics
Classification: Uncertain significance for Cardiovascular phenotype. Last evaluated: 2026-07-13. Review status: criteria provided, single submitter. Criteria: Ambry Variant Classification Scheme 2023. Collection method: clinical testing. Allele origin: germline.
Comment: The c.583+5G>A intronic variant results from a G to A substitution 5 nucleotides after coding exon 3 in the TTN gene. This nucleotide position is well conserved in available vertebrate species. In silico splice site analysis predicts that this alteration will not have any significant effect on splicing. Based on the available evidence, the clinical significance of this variant remains unclear.

Labcorp Genetics (formerly Invitae), Labcorp
Classification: Uncertain significance for Dilated cardiomyopathy 1G; Autosomal recessive limb-girdle muscular dystrophy type 2J. Last evaluated: 2025-12-21. Review status: criteria provided, single submitter. Criteria: Invitae Variant Classification Sherloc (09022015). Collection method: clinical testing. Allele origin: germline.
Comment: This sequence change falls in intron 4 of the TTN gene. It does not directly change the encoded amino acid sequence of the TTN protein. It affects a nucleotide within the consensus splice site. This variant is present in population databases (rs397517663, gnomAD 0.003%). This variant has not been reported in the literature in individuals affected with TTN-related conditions. ClinVar contains an entry for this variant (Variation ID: 47232). Variants that disrupt the consensus splice site are a relatively common cause of aberrant splicing (PMID: 17576681, 9536098). Algorithms developed to predict the effect of sequence changes on RNA splicing suggest that this variant is not likely to affect RNA splicing. This variant is located in the Z band of TTN (PMID: 25589632). Non-truncating variants in this region may be clinically relevant, but have not been definitively shown to cause cardiomyopathy or neuromuscular disease (PMID: 27493940, 32778822). In summary, the available evidence is currently insufficient to determine the role of this variant in disease. Therefore, it has been classified as a Variant of Uncertain Significance.

PreventionGenetics, part of Exact Sciences
Classification: Likely benign for TTN-related condition. Last evaluated: 2025-08-29. Review status: criteria provided, single submitter. Criteria: ACMG Guidelines, 2015. Collection method: clinical testing. Allele origin: germline.
Comment: This variant is classified as likely benign based on ACMG/AMP sequence variant interpretation guidelines (Richards et al. 2015 PMID: 25741868, with internal and published modifications).

GeneDx
Classification: Likely benign. Last evaluated: 2019-02-22. Review status: criteria provided, single submitter. Criteria: GeneDx Variant Classification Process June 2021. Collection method: clinical testing. Allele origin: germline. Affected: yes.

ARUP Laboratories, Molecular Genetics and Genomics, ARUP Laboratories
Classification: Uncertain significance. Last evaluated: 2018-10-01. Review status: criteria provided, single submitter. Criteria: ARUP Molecular Germline Variant Investigation Process. Collection method: clinical testing. Allele origin: germline.
Comment: The TTN c.583+5G>A variant (rs397517663), to our knowledge, is not reported in the medical literature but is reported in ClinVar (Variation ID: 47232). This variant is found on three chromosomes in the Genome Aggregation Database, indicating it is not a common polymorphism. This is an intronic variant in a moderately conserved nucleotide, and computational analyses (Alamut v.2.11) predict that this variant may impact splicing by weakening the nearby canonical splice donor site, though mRNA studies would be required to confirm an effect on splicing. Given the lack of clinical and functional data, the significance of the c.583+5G>A variant is uncertain at this time.

Laboratory for Molecular Medicine, Mass General Brigham Personalized Medicine
Classification: Uncertain significance. Last evaluated: 2014-07-23. Review status: criteria provided, single submitter. Criteria: LMM Criteria. Collection method: clinical testing. Allele origin: germline. Observed: 2 variant alleles.
Comment: It was absent from large population studies. This variant is located in the 5' splice region. Computational tools suggest a possible impact t o splicing; however, this information is not predictive enough to determine path ogenicity. In summary, the clinical significance of the 583+5G>A variant is unce rtain.

Joint Genome Diagnostic Labs from Nijmegen and Maastricht, Radboudumc and MUMC+
Classification: Likely benign. Review status: no assertion criteria provided. Collection method: clinical testing. Allele origin: germline. Affected: yes. Study: VKGL Data-share Consensus. Not counted in ClinVar's aggregate classification.

Laboratory of Diagnostic Genome Analysis, Leiden University Medical Center (LUMC)
Classification: Likely benign. Review status: no assertion criteria provided. Collection method: clinical testing. Allele origin: germline. Affected: yes. Study: VKGL Data-share Consensus. Not counted in ClinVar's aggregate classification.

Literature cited by the submitters: PubMed 17576681 (cited by Labcorp Genetics (formerly Invitae), Labcorp); PubMed 9536098 (cited by Labcorp Genetics (formerly Invitae), Labcorp); PubMed 25589632 (cited by Labcorp Genetics (formerly Invitae), Labcorp); PubMed 27493940 (cited by Labcorp Genetics (formerly Invitae), Labcorp); PubMed 32778822 (cited by Labcorp Genetics (formerly Invitae), Labcorp).